The following is an entry in ClinVar:

ClinVar aggregate classification (germline): Uncertain significance (1 of 4 stars; one submission).

Conditions:
Symmetrical dyschromatosis of extremities (DSH). Also called: RETICULATE ACROPIGMENTATION OF DOHI; SYMMETRIC DYSCHROMATOSIS OF THE EXTREMITIES; Dyschromatosis symmetrica hereditaria; DYSCHROMATOSIS SYMMETRICA HEREDITARIA 1. Identifiers: Orphanet 41, MedGen C0406775, MONDO:0007483, OMIM 127400.
Aicardi-Goutieres syndrome 6 (AGS6). Identifiers: Orphanet 51, MedGen C3539013, MONDO:0014007, OMIM 615010.

Allele frequency attached by ClinVar (database versions not stated): gnomAD 0.00001 and 0.00002; gnomAD exomes 0.00001; TOPMed 0.00001.
gnomAD v4.1: 14 of 1,614,064 alleles (0.00087%); highest among the groups gnomAD compares: East Asian, 0.0022%; no homozygotes.

Submission:

Labcorp Genetics (formerly Invitae), Labcorp
Classification: Uncertain significance for Aicardi-Goutieres syndrome 6; Symmetrical dyschromatosis of extremities. Last evaluated: 2025-02-13. Review status: criteria provided, single submitter. Criteria: Invitae Variant Classification Sherloc (09022015). Collection method: clinical testing. Allele origin: germline.
Comment: This sequence change replaces glycine, which is neutral and non-polar, with arginine, which is basic and polar, at codon 1028 of the ADAR protein (p.Gly1028Arg). This variant is present in population databases (no rsID available, gnomAD 0.006%). This variant has not been reported in the literature in individuals affected with ADAR-related conditions. ClinVar contains an entry for this variant (Variation ID: 968307). Invitae Evidence Modeling of protein sequence and biophysical properties (such as structural, functional, and spatial information, amino acid conservation, physicochemical variation, residue mobility, and thermodynamic stability) indicates that this missense variant is not expected to disrupt ADAR protein function with a negative predictive value of 80%. In summary, the available evidence is currently insufficient to determine the role of this variant in disease. Therefore, it has been classified as a Variant of Uncertain Significance.

NM_001111.5(ADAR):c.3082G>A (p.Gly1028Arg)

Gene: ADAR (adenosine deaminase RNA specific; minus strand). Cytogenetic location: 1q21.3.
Variant type: single nucleotide variant.
Coding change: c.3082G>A on transcript NM_001111.5 (MANE Select); coding-DNA position 3082, G replaced by A.
Protein change: p.Gly1028Arg; replaces glycine 1028 with arginine.
Molecular consequence: missense variant.
Genome position (GRCh38, 1-based): chr1:154,586,301, C>T on the plus strand (G>A on the coding strand, the complement: ADAR is on the minus strand). VCF-style: chr1-154586301-C-T. GRCh37 (hg19) VCF-style: chr1-154558777-C-T.
Other names: c.2197G>A, p.Gly733Arg (NM_001025107.3, NM_001193495.2, NM_001365046.1 and 2 more transcripts); c.3109G>A, p.Gly1037Arg (NM_001365045.1); c.2119G>A, p.Gly707Arg (NM_001365049.1); c.3004G>A, p.Gly1002Arg (NM_015840.4); c.2947G>A, p.Gly983Arg (NM_015841.4); short protein forms G1037R, G733R, G983R, G1028R, G707R, G1002R.
Identifiers: ClinVar variation 968307 (VCV000968307.8), dbSNP rs1236873184, ClinGen allele CA342635771.